The following is an entry in ClinVar:

NM_182931.3(KMT2E):c.5356_5382del (p.Cys1786_His1794del)

Gene: KMT2E (lysine methyltransferase 2E (inactive); plus strand). Cytogenetic location: 7q22.3.
Variant type: Deletion.
Coding change: c.5356_5382del on transcript NM_182931.3 (MANE Select); coding-DNA positions 5356 to 5382, 27 bases deleted (TGTCCATTACCTGTCACAGGTCCTCAT).
Protein change: p.Cys1786_His1794del.
Molecular consequence: inframe deletion.
Genome position (GRCh38, 1-based): chr7:105,113,112-105,113,138, TGTCCATTACCTGTCACAGGTCCTCAT deleted; deleting any 27 consecutive bases within chr7:105,113,109-105,113,138 gives the same sequence; the c. name uses the placement nearest the transcript's 3' end. VCF-style (leftmost placement, unchanged base first): chr7-105113108-ACATTGTCCATTACCTGTCACAGGTCCT-A. GRCh37 (hg19) VCF-style: chr7-104753555-ACATTGTCCATTACCTGTCACAGGTCCT-A.
Other names: c.5230_5256del, p.Cys1744_His1752del (NM_001410908.1); c.5356_5382del, p.Cys1786_His1794del (NM_018682.4).
Identifiers: ClinVar variation 2580692 (VCV002580692.3), dbSNP rs1799400614, ClinGen allele CA1105422774.

ClinVar aggregate classification (germline): Uncertain significance. Review status: criteria provided, multiple submitters, no conflicts (2 of 4 stars). 3 submissions from 3 submitters: Uncertain significance (3). Last evaluated 2024-11-18.

Conditions:
O'Donnell-Luria-Rodan syndrome (ODLURO). Also called: KMT2E-Related Neurodevelopmental Disorder. Identifiers: MedGen C5193138, MONDO:0032793, OMIM 618512.

Submissions (3):

Labcorp Genetics (formerly Invitae), Labcorp
Classification: Uncertain significance. Last evaluated: 2024-11-18. Review status: criteria provided, single submitter. Criteria: Invitae Variant Classification Sherloc (09022015). Collection method: clinical testing. Allele origin: germline.
Comment: This variant, c.5356_5382del, results in the deletion of 9 amino acid(s) of the KMT2E protein (p.Cys1786_His1794del), but otherwise preserves the integrity of the reading frame. This variant is not present in population databases (gnomAD no frequency). This variant has not been reported in the literature in individuals affected with KMT2E-related conditions. ClinVar contains an entry for this variant (Variation ID: 2580692). Experimental studies and prediction algorithms are not available or were not evaluated, and the functional significance of this variant is currently unknown. In summary, the available evidence is currently insufficient to determine the role of this variant in disease. Therefore, it has been classified as a Variant of Uncertain Significance.

GeneDx
Classification: Uncertain significance. Last evaluated: 2023-03-24. Review status: criteria provided, single submitter. Criteria: GeneDx Variant Classification Process June 2021. Collection method: clinical testing. Allele origin: germline. Affected: yes.
Comment: In-frame deletion of 9 amino acids in a non-repeat region; Not observed at significant frequency in large population cohorts (gnomAD); In silico analysis supports a deleterious effect on protein structure/function; Has not been previously published as pathogenic or benign to our knowledge

Institute of Human Genetics, University Hospital of Duesseldorf
Classification: Uncertain significance for O'Donnell-Luria-Rodan syndrome. Review status: criteria provided, single submitter. Criteria: ACMG Guidelines, 2015. Collection method: not provided. Allele origin: germline. Inheritance: Autosomal dominant inheritance. Affected: yes.